The following is an entry in ClinVar:

NM_001378120.1(MBD5):c.1732A>G (p.Ser578Gly)

Gene: MBD5 (methyl-CpG binding domain protein 5; plus strand). Cytogenetic location: 2q23.1.
Variant type: single nucleotide variant.
Coding change: c.1732A>G on transcript NM_001378120.1 (MANE Select); coding-DNA position 1732, A replaced by G.
Protein change: p.Ser578Gly; replaces serine 578 with glycine.
Molecular consequence: missense variant.
Genome position (GRCh38, 1-based): chr2:148,469,675, A>G. VCF-style: chr2-148469675-A-G. GRCh37 (hg19) VCF-style: chr2-149227244-A-G.
Other names: c.1732A>G, p.Ser578Gly (NM_018328.5); short protein forms S578G.
Identifiers: ClinVar variation 2821976 (VCV002821976.3), dbSNP rs2469868669, ClinGen allele CA348720318.
Genomic context (GRCh38, chr2:148,469,675, plus strand): 5'-CTGGGAATGCCTTTAAATCAGATCTTGAACCAGCACAATGCTGCCTCCTTTCCAGCAAGT[A>G]GTTTACTCTCAGCAGCAGCCAAAGCACAGCTAGCAAATCAAAACAAACTTGCTGGTAACA-3'
Protein context (NP_001365049.1, residues 568-588): QHNAASFPAS[Ser578Gly]LLSAAAKAQL

ClinVar aggregate classification (germline): Uncertain significance (1 of 4 stars; one submission).

Conditions:
Intellectual developmental disorder, autosomal dominant 1. Also called: MBD5 Haploinsufficiency; Intellectual disability, autosomal dominant 1. Identifiers: Orphanet 228402, MedGen C1969562, MONDO:0007974, OMIM 156200.

Allele frequency attached by ClinVar (database versions not stated): gnomAD exomes below 0.00001.
gnomAD v4.1: 1 of 1,614,012 alleles (0.000062%); highest among the groups gnomAD compares: African/African-American, 0.0013%; no homozygotes.

Submission:

Labcorp Genetics (formerly Invitae), Labcorp
Classification: Uncertain significance for Intellectual developmental disorder, autosomal dominant 1. Last evaluated: 2023-05-16. Review status: criteria provided, single submitter. Criteria: Invitae Variant Classification Sherloc (09022015). Collection method: clinical testing. Allele origin: germline.
Comment: This variant has not been reported in the literature in individuals affected with MBD5-related conditions. Advanced modeling of protein sequence and biophysical properties (such as structural, functional, and spatial information, amino acid conservation, physicochemical variation, residue mobility, and thermodynamic stability) performed at Invitae indicates that this missense variant is not expected to disrupt MBD5 protein function. In summary, the available evidence is currently insufficient to determine the role of this variant in disease. Therefore, it has been classified as a Variant of Uncertain Significance. This variant is not present in population databases (gnomAD no frequency). This sequence change replaces serine, which is neutral and polar, with glycine, which is neutral and non-polar, at codon 578 of the MBD5 protein (p.Ser578Gly).